The following is an entry in ClinVar:

NM_018297.4(NGLY1):c.1746del (p.Glu582fs)

Gene: NGLY1 (N-glycanase 1; minus strand). Cytogenetic location: 3p24.2.
Variant type: Deletion.
Coding change: c.1746del on transcript NM_018297.4 (MANE Select); coding-DNA position 1746, one base deleted (A; older notation c.1746delA).
Protein change: p.Glu582fs; shifts the reading frame from glutamic acid 582.
Molecular consequence: frameshift variant. On other transcripts: intron variant (1).
Genome position (GRCh38, 1-based): chr3:25,720,057, T deleted on the plus strand (A on the coding strand, the reverse complement: NGLY1 is on the minus strand); the first of 2 consecutive T bases (chr3:25,720,057-25,720,058); deleting either gives the same sequence. VCF-style (leftmost placement, unchanged base first): chr3-25720056-AT-A. GRCh37 (hg19) VCF-style: chr3-25761547-AT-A.
Other names: c.1692del, p.Glu564fs (NM_001145293.2); c.1620del, p.Glu540fs (NM_001145294.2); c.1612-422del (NM_001145295.2); short protein forms E564fs, E540fs, E582fs.
Identifiers: ClinVar variation 2748475 (VCV002748475.3), dbSNP rs2470481119, ClinGen allele CA2697550738.
Genomic context (GRCh38, chr3:25,720,056, plus strand): 5'-CTCCAGGCAAATGCTTACCGCCTGTCAGTTCTACTTGTGCTGTATCAGATCGCAATTTCC[AT>A]TCTACTGTTCCAGTCTGAAAAGTTTGACTACTTGTTCTAATAGAAATGCTATCTACTTTT-3'

ClinVar aggregate classification (germline): Pathogenic (1 of 4 stars; one submission).

Conditions:
Congenital disorder of deglycosylation (CDDG). Identifiers: MedGen C3808991, MONDO:0031376.

Submission:

Labcorp Genetics (formerly Invitae), Labcorp
Classification: Pathogenic for Congenital disorder of deglycosylation. Last evaluated: 2023-07-30. Review status: criteria provided, single submitter. Criteria: Invitae Variant Classification Sherloc (09022015). Collection method: clinical testing. Allele origin: germline.
Comment: This sequence change creates a premature translational stop signal (p.Glu582Aspfs*11) in the NGLY1 gene. While this is not anticipated to result in nonsense mediated decay, it is expected to disrupt the last 73 amino acid(s) of the NGLY1 protein. This variant is not present in population databases (gnomAD no frequency). This variant has not been reported in the literature in individuals affected with NGLY1-related conditions. This variant disrupts a region of the NGLY1 protein in which other variant(s) (p.Gln631Serfs*7) have been determined to be pathogenic (PMID: 22581936, 24651605, 25900930, 30740912). This suggests that this is a clinically significant region of the protein, and that variants that disrupt it are likely to be disease-causing. For these reasons, this variant has been classified as Pathogenic.

Literature cited by the submitters: PubMed 22581936; PubMed 24651605; PubMed 25900930; PubMed 30740912.